The following is an entry in ClinVar:

ClinVar aggregate classification (germline): Conflicting classifications of pathogenicity. Review status: criteria provided, conflicting classifications (1 of 4 stars). 4 submissions from 4 submitters: Uncertain significance (1); Benign (1). 2 of the submissions do not count toward it. Last evaluated 2025-06-23.

Conditions:
Fanconi renotubular syndrome 3 (FRTS3). Identifiers: MedGen C3810100, MONDO:0014275, OMIM 615605.
EHHADH-related disorder. Also called: EHHADH-related condition.

Allele frequency attached by ClinVar (database versions not stated): gnomAD 0.00169 and 0.00147; 1000 Genomes Project 0.00280; 1000 Genomes Project 30x 0.00281; ExAC 0.00051; TOPMed 0.00200 and 0.00174; gnomAD exomes 0.00017 and 0.00044; ESP Exome Variant Server 0.00161.
gnomAD v4.1: 516 of 1,613,994 alleles (0.032%); highest among the groups gnomAD compares: African/African-American, 0.61%; no homozygotes.

Submissions (4):

Mayo Clinic Laboratories, Mayo Clinic
Classification: Uncertain significance. Last evaluated: 2025-06-23. Review status: criteria provided, single submitter. Criteria: ACMG Guidelines, 2015. Collection method: clinical testing. Allele origin: germline. Observed: 1 variant allele.
Comment: PP3_moderate, PM2_supporting

Eurofins Ntd Llc (ga)
Classification: Benign. Last evaluated: 2017-03-21. Review status: criteria provided, single submitter. Criteria: EGL Classification Definitions 2015. Collection method: clinical testing. Allele origin: germline. Observed: 1 variant allele, 1 heterozygote.

PreventionGenetics, part of Exact Sciences
Classification: Benign for EHHADH-related condition. Last evaluated: 2019-07-31. Review status: no assertion criteria provided. Collection method: clinical testing. Allele origin: germline. Not counted in ClinVar's aggregate classification.
Comment: This variant is classified as benign based on ACMG/AMP sequence variant interpretation guidelines (Richards et al. 2015 PMID: 25741868, with internal and published modifications).

Service de Génétique Moléculaire, Hôpital Robert Debré
Classification: Likely benign for Fanconi renotubular syndrome 3. Review status: no assertion criteria provided. Collection method: clinical testing. Allele origin: unknown. Affected: yes. Not counted in ClinVar's aggregate classification.

NM_001966.4(EHHADH):c.302G>A (p.Gly101Glu)

Gene: EHHADH (enoyl-CoA hydratase and 3-hydroxyacyl CoA dehydrogenase; minus strand). Cytogenetic location: 3q27.2.
Variant type: single nucleotide variant.
Coding change: c.302G>A on transcript NM_001966.4 (MANE Select); coding-DNA position 302, G replaced by A.
Protein change: p.Gly101Glu; replaces glycine 101 with glutamic acid.
Molecular consequence: missense variant.
Genome position (GRCh38, 1-based): chr3:185,235,339, C>T on the plus strand (G>A on the coding strand, the complement: EHHADH is on the minus strand). VCF-style: chr3-185235339-C-T. GRCh37 (hg19) VCF-style: chr3-184953127-C-T.
Other names: p.Gly101Glu; c.14G>A, p.Gly5Glu (NM_001166415.2); c.302G>A (NM_001966.3); short protein forms G101E, G5E.
Identifiers: ClinVar variation 500959 (VCV000500959.9), dbSNP rs142339349, ClinGen allele CA2739264.